The following is an entry in ClinVar:

ClinVar aggregate classification (germline): Benign. Review status: criteria provided, multiple submitters, no conflicts (2 of 4 stars). 2 submissions from 2 submitters: Benign (2). Last evaluated 2018-07-09.

Conditions:
Leigh syndrome (NULS). Also called: Leigh Disease; Subacute necrotizing encephalopathy; Necrotizing encephalopathy infantile subacute of Leigh; Leigh's necrotizing encephalopathy; Leigh's disease; Leigh's syndrome. Identifiers: Orphanet 506, MedGen C2931891, MONDO:0009723, OMIM 256000.

Allele frequency attached by ClinVar (database versions not stated): gnomAD exomes 0.00682; gnomAD 0.04037 and 0.04323; TOPMed 0.04793; 1000 Genomes Project 0.05132; 1000 Genomes Project 30x 0.05387.

Submissions (2):

GeneDx
Classification: Benign. Last evaluated: 2018-07-09. Review status: criteria provided, single submitter. Criteria: GeneDx Variant Classification Process June 2021. Collection method: clinical testing. Allele origin: germline. Affected: yes.

Illumina Laboratory Services, Illumina
Classification: Benign for Leigh syndrome. Last evaluated: 2018-01-12. Review status: criteria provided, single submitter. Criteria: ICSL Variant Classification Criteria 13 December 2019. Collection method: clinical testing. Allele origin: germline.
Comment: This variant was observed in the ICSL laboratory as part of a predisposition screen in an ostensibly healthy population. It had not been previously curated by ICSL or reported in the Human Gene Mutation Database (HGMD: prior to June 1st, 2018), and was therefore a candidate for classification through an automated scoring system. Utilizing variant allele frequency, disease prevalence and penetrance estimates, and inheritance mode, an automated score was calculated to assess if this variant is too frequent to cause the disease. Based on the score and internal cut-off values, a variant classified as benign is not then subjected to further curation. The score for this variant resulted in a classification of benign for this disease.

NM_004589.4(SCO1):c.*310C>T

Gene: SCO1 (synthesis of cytochrome C oxidase 1; minus strand). Cytogenetic location: 17p13.1.
Variant type: single nucleotide variant.
Coding change: c.*310C>T on transcript NM_004589.4 (MANE Select); 310 bases downstream of the stop codon, C replaced by T.
Molecular consequence: 3 prime UTR variant.
Genome position (GRCh38, 1-based): chr17:10,680,809, G>A on the plus strand (C>T on the coding strand, the complement: SCO1 is on the minus strand). VCF-style: chr17-10680809-G-A. GRCh37 (hg19) VCF-style: chr17-10584126-G-A.
Identifiers: ClinVar variation 321786 (VCV000321786.8), dbSNP rs2662957, ClinGen allele CA10648568.